The following is an entry in ClinVar:

ClinVar aggregate classification (germline): Likely pathogenic (1 of 4 stars; one submission).

Submission:

ARUP Laboratories, Molecular Genetics and Genomics, ARUP Laboratories
Classification: Likely pathogenic. Last evaluated: 2020-04-02. Review status: criteria provided, single submitter. Criteria: ARUP Molecular Germline Variant Investigation Process. Collection method: clinical testing. Allele origin: germline.
Comment: The COL2A1 c.3464G>A; p.Gly1155Asp variant, to our knowledge, is not reported in the medical literature or gene-specific databases. This variant is also absent from general population databases (Exome Variant Server, Genome Aggregation Database), indicating it is not a common polymorphism. The glycine at codon 1155 is highly conserved, and computational analyses (SIFT, PolyPhen-2) predict that this variant is deleterious. This variant disrupts the repeating Gly-X-Y sequence motif of the collagen triple helix and is predicted to impair collagen function (Barat-Houari 2016). Indeed, another variant at this residue (p.Gly1155Val) has been reported in an individual affected with congenital spondylo-epiphyseal dysplasia (Terhal 2012). Based on available information, the p.Gly1155Asp variant is considered to be likely pathogenic. References: Barat-Houari M et al. Mutation Update for COL2A1 Gene Variants Associated with Type II Collagenopathies. Hum Mutat. 2016 Jan;37(1):7-15. Terhal PA et al. Mutation-based growth charts for SEDC and other COL2A1 related dysplasias. Am J Med Genet C Semin Med Genet. 2012 Aug 15;160C(3):205-16.

NM_001844.5(COL2A1):c.3464G>A (p.Gly1155Asp)

Gene: COL2A1 (collagen type II alpha 1 chain; minus strand). Cytogenetic location: 12q13.11.
Variant type: single nucleotide variant.
Coding change: c.3464G>A on transcript NM_001844.5 (MANE Select); coding-DNA position 3464, G replaced by A.
Protein change: p.Gly1155Asp; replaces glycine 1155 with aspartic acid.
Molecular consequence: missense variant.
Genome position (GRCh38, 1-based): chr12:47,976,539, C>T on the plus strand (G>A on the coding strand, the complement: COL2A1 is on the minus strand). VCF-style: chr12-47976539-C-T. GRCh37 (hg19) VCF-style: chr12-48370322-C-T.
Other names: c.3257G>A, p.Gly1086Asp (NM_033150.3); short protein forms G1086D, G1155D.
Identifiers: ClinVar variation 993681 (VCV000993681.8), dbSNP rs1938716355, ClinGen allele CA384537523.
Genomic context (GRCh38, chr12:47,976,539, plus strand): 5'-GGGCCCCCTCCATCTTCCAACTCCATGTCACTTACTCTAGGGCCAGAAGGACCAGCAGGA[C>T]CAGAAGCACCTTGGTCTCCAGAAGGACCCTGTGTAGAAGGAAGAGGCAAAAGGCCACGGT-3'
Protein context (NP_001835.3, residues 1145-1165): PGPSGDQGAS[Gly1155Asp]PAGPSGPRGP